The following is an entry in ClinVar:

ClinVar aggregate classification (germline): Uncertain significance (1 of 4 stars; one submission).

Allele frequency attached by ClinVar (database versions not stated): gnomAD 0.00001; TOPMed 0.00002; ExAC 0.00005.
gnomAD v4.1: 6 of 1,612,528 alleles (0.00037%); highest among the groups gnomAD compares: East Asian, 0.011%; no homozygotes.

Submission:

Labcorp Genetics (formerly Invitae), Labcorp
Classification: Uncertain significance. Last evaluated: 2024-02-17. Review status: criteria provided, single submitter. Criteria: Invitae Variant Classification Sherloc (09022015). Collection method: clinical testing. Allele origin: germline.
Comment: This sequence change replaces leucine, which is neutral and non-polar, with isoleucine, which is neutral and non-polar, at codon 29 of the RNF13 protein (p.Leu29Ile). This variant is present in population databases (rs763378011, gnomAD 0.05%). This variant has not been reported in the literature in individuals affected with RNF13-related conditions. ClinVar contains an entry for this variant (Variation ID: 1493452). Advanced modeling of protein sequence and biophysical properties (such as structural, functional, and spatial information, amino acid conservation, physicochemical variation, residue mobility, and thermodynamic stability) performed at Invitae indicates that this missense variant is not expected to disrupt RNF13 protein function with a negative predictive value of 80%. In summary, the available evidence is currently insufficient to determine the role of this variant in disease. Therefore, it has been classified as a Variant of Uncertain Significance.

NM_183381.3(RNF13):c.85C>A (p.Leu29Ile)

Gene: RNF13 (ring finger protein 13; plus strand). Cytogenetic location: 3q25.1.
Variant type: single nucleotide variant.
Coding change: c.85C>A on transcript NM_183381.3 (MANE Select); coding-DNA position 85, C replaced by A.
Protein change: p.Leu29Ile; replaces leucine 29 with isoleucine.
Molecular consequence: missense variant. On other transcripts: 5 prime UTR variant (4), non-coding transcript variant (1), intron variant (2).
Genome position (GRCh38, 1-based): chr3:149,846,111, C>A. VCF-style: chr3-149846111-C-A. GRCh37 (hg19) VCF-style: chr3-149563898-C-A.
Other names: c.85C>A, p.Leu29Ile (NM_001378285.1, NM_001378286.1, NM_007282.4); c.-283C>A (NM_001378287.1, NM_001378288.1, NM_001378289.1 and 1 more transcripts); c.-253-6405C>A (NM_183383.2); c.-279-6405C>A (NM_001378291.1); short protein forms L29I.
Identifiers: ClinVar variation 1493452 (VCV001493452.8), dbSNP rs763378011, ClinGen allele CA2662885.
Genomic context (GRCh38, chr3:149,846,111, plus strand): 5'-ATGCTGTCAGCCACACAAGTCTACACCATCTTGACTGTCCAGCTCTTTGCATTCTTAAAC[C>A]TACTGCCTGTAGAAGCAGACATTTTAGCAGTAAGTACAGTAAAATTTATTCATGTCTAGA-3'
Protein context (NP_899237.1, residues 19-39): LTVQLFAFLN[Leu29Ile]LPVEADILAY